The following is an entry in ClinVar:

NM_006005.3(WFS1):c.2449C>G (p.Leu817Val)

Gene: WFS1 (wolframin ER transmembrane glycoprotein; plus strand). Cytogenetic location: 4p16.1.
Variant type: single nucleotide variant.
Coding change: c.2449C>G on transcript NM_006005.3 (MANE Select); coding-DNA position 2449, C replaced by G.
Protein change: p.Leu817Val; replaces leucine 817 with valine.
Molecular consequence: missense variant.
Genome position (GRCh38, 1-based): chr4:6,302,244, C>G. VCF-style: chr4-6302244-C-G. GRCh37 (hg19) VCF-style: chr4-6303971-C-G.
Other names: c.2449C>G, p.Leu817Val (NM_001145853.1); short protein forms L817V.
Identifiers: ClinVar variation 2742267 (VCV002742267.3), dbSNP rs768984174, ClinGen allele CA356178602.

ClinVar aggregate classification (germline): Uncertain significance (1 of 4 stars; one submission).

gnomAD v4.1: 2 of 1,606,056 alleles (0.00012%); highest among the groups gnomAD compares: Admixed American, 0.0017%; no homozygotes.

Submission:

Labcorp Genetics (formerly Invitae), Labcorp
Classification: Uncertain significance. Last evaluated: 2023-10-13. Review status: criteria provided, single submitter. Criteria: Invitae Variant Classification Sherloc (09022015). Collection method: clinical testing. Allele origin: germline.
Comment: This sequence change replaces leucine, which is neutral and non-polar, with valine, which is neutral and non-polar, at codon 817 of the WFS1 protein (p.Leu817Val). This variant is not present in population databases (gnomAD no frequency). This variant has not been reported in the literature in individuals affected with WFS1-related conditions. Advanced modeling of protein sequence and biophysical properties (such as structural, functional, and spatial information, amino acid conservation, physicochemical variation, residue mobility, and thermodynamic stability) has been performed at Invitae for this missense variant, however the output from this modeling did not meet the statistical confidence thresholds required to predict the impact of this variant on WFS1 protein function. In summary, the available evidence is currently insufficient to determine the role of this variant in disease. Therefore, it has been classified as a Variant of Uncertain Significance.